The following is an entry in ClinVar:

NM_000593.6(TAP1):c.152C>T (p.Ala51Val)

Gene: TAP1 (transporter 1, ATP binding cassette subfamily B member; minus strand). Cytogenetic location: 6p21.32.
Variant type: single nucleotide variant.
Coding change: c.152C>T on transcript NM_000593.6 (MANE Select); coding-DNA position 152, C replaced by T.
Protein change: p.Ala51Val; replaces alanine 51 with valine.
Molecular consequence: missense variant.
Genome position (GRCh38, 1-based): chr6:32,853,485, G>A on the plus strand (C>T on the coding strand, the complement: TAP1 is on the minus strand). VCF-style: chr6-32853485-G-A. GRCh37 (hg19) VCF-style: chr6-32821262-G-A.
Other names: short protein forms A51V.
Identifiers: ClinVar variation 1426964 (VCV001426964.7), dbSNP rs781699375, ClinGen allele CA3747062.
Genomic context (GRCh38, chr6:32,853,485, plus strand): 5'-CCCAGCCAGAGCACGGCCCAGCGGCTCAGGCCCACCGCCCAGACCCGGAGCAGTGGCAGC[G>A]CGGTGGGCACCAGCAGGGAGAATATGCGGGGCAGCGCGGTCCGGAGCAGCACCCAGTCGG-3'
Protein context (NP_000584.3, residues 41-61): PRIFSLLVPT[Ala51Val]LPLLRVWAVG

ClinVar aggregate classification (germline): Uncertain significance (1 of 4 stars; one submission).

Conditions:
MHC class I deficiency. Identifiers: Orphanet 34592, MedGen C6024714, MONDO:0011476.

Allele frequency attached by ClinVar (database versions not stated): ExAC 0.00007; gnomAD 0.00007 and 0.00009; gnomAD exomes 0.00009 and 0.00005; TOPMed 0.00009.
gnomAD v4.1: 103 of 1,609,922 alleles (0.0064%); highest among the groups gnomAD compares: Admixed American, 0.0017%; no homozygotes.

Submission:

Labcorp Genetics (formerly Invitae), Labcorp
Classification: Uncertain significance for MHC class I deficiency 1. Last evaluated: 2026-02-02. Review status: criteria provided, single submitter. Criteria: Invitae Variant Classification Sherloc (09022015). Collection method: clinical testing. Allele origin: germline.
Comment: This sequence change replaces alanine, which is neutral and non-polar, with valine, which is neutral and non-polar, at codon 111 of the TAP1 protein (p.Ala111Val). This variant is present in population databases (rs781699375, gnomAD 0.2%). This variant has not been reported in the literature in individuals affected with TAP1-related conditions. ClinVar contains an entry for this variant (Variation ID: 1426964). An algorithm developed to predict the effect of missense changes on protein structure and function outputs the following: PolyPhen-2: "Benign". The valine amino acid residue is found in multiple mammalian species, which suggests that this missense change does not adversely affect protein function. In summary, the available evidence is currently insufficient to determine the role of this variant in disease. Therefore, it has been classified as a Variant of Uncertain Significance.